The following is an entry in ClinVar:

NM_001148.6(ANK2):c.1110C>T (p.His370=)

Gene: ANK2 (ankyrin 2; plus strand). Cytogenetic location: 4q26.
Variant type: single nucleotide variant.
Coding change: c.1110C>T on transcript NM_001148.6 (MANE Select); coding-DNA position 1110, C replaced by T.
Protein change: p.His370=; no amino-acid change (histidine 370 retained).
Molecular consequence: synonymous variant.
Genome position (GRCh38, 1-based): chr4:113,255,854, C>T. VCF-style: chr4-113255854-C-T. GRCh37 (hg19) VCF-style: chr4-114177010-C-T.
Other names: c.1047C>T, p.His349= (NM_001127493.3, NM_001354239.2, NM_001354243.2 and 14 more transcripts); c.1110C>T, p.His370= (NM_001354225.2, NM_001354228.2, NM_001354232.2 and 9 more transcripts); c.1155C>T, p.His385= (NM_001354230.2, NM_001354231.2, NM_001354237.2 and 5 more transcripts); c.1023C>T, p.His341= (NM_001354249.2, NM_001354260.2, NM_001354264.2 and 16 more transcripts); c.1068C>T, p.His356= (NM_001354261.2, NM_001386147.1, NM_001386160.1); c.1098C>T, p.His366= (NM_001354269.3, NM_001386148.2, NM_001386186.2); c.1161C>T, p.His387= (NM_001386174.1); c.1137C>T, p.His379= (NM_001386175.1); and 1 more.
Identifiers: ClinVar variation 668407 (VCV000668407.22), dbSNP rs371839121, ClinGen allele CA3050186.

ClinVar aggregate classification (germline): Likely benign. Review status: criteria provided, multiple submitters, no conflicts (2 of 4 stars). 6 submissions from 6 submitters: Likely benign (4). 2 of the submissions do not count toward it. Last evaluated 2025-12-14.

Conditions:
Cardiovascular phenotype. Identifiers: MedGen CN230736.
Long QT syndrome (LQTS). Identifiers: MedGen C0023976, MeSH D008133, MONDO:0002442. Disease mechanism: loss of function. Inheritance: Various modes of inheritance.

Allele frequency attached by ClinVar (database versions not stated): gnomAD 0.00004; gnomAD exomes 0.00004 and 0.00005; ExAC 0.00005; TOPMed 0.00005; ESP Exome Variant Server 0.00008.
gnomAD v4.1: 64 of 1,614,232 alleles (0.004%); highest among the groups gnomAD compares: South Asian, 0.0066%; no homozygotes.

Submissions (6):

Labcorp Genetics (formerly Invitae), Labcorp
Classification: Likely benign for Long QT syndrome. Last evaluated: 2025-12-14. Review status: criteria provided, single submitter. Criteria: Invitae Variant Classification Sherloc (09022015). Collection method: clinical testing. Allele origin: germline.

CeGaT Center for Human Genetics Tuebingen
Classification: Likely benign. Last evaluated: 2025-07-01. Review status: criteria provided, single submitter. Criteria: CeGaT Center For Human Genetics Tuebingen Variant Classification Criteria Version 2. Collection method: clinical testing. Allele origin: germline. Affected: yes. Observed: 1 variant allele.
Comment: ANK2: BP4, BP7

Ambry Genetics
Classification: Likely benign for Cardiovascular phenotype. Last evaluated: 2023-07-07. Review status: criteria provided, single submitter. Criteria: Ambry Variant Classification Scheme 2023. Collection method: clinical testing. Allele origin: germline.

GeneDx
Classification: Likely benign. Last evaluated: 2018-05-17. Review status: criteria provided, single submitter. Criteria: GeneDx Variant Classification (06012015). Collection method: clinical testing. Allele origin: germline. Affected: yes.
Comment: This variant is considered likely benign or benign based on one or more of the following criteria: it is a conservative change, it occurs at a poorly conserved position in the protein, it is predicted to be benign by multiple in silico algorithms, and/or has population frequency not consistent with disease.

Clinical Genetics, Academic Medical Center
Classification: Benign. Review status: no assertion criteria provided. Collection method: clinical testing. Allele origin: germline. Affected: yes. Study: VKGL Data-share Consensus. Not counted in ClinVar's aggregate classification.

Joint Genome Diagnostic Labs from Nijmegen and Maastricht, Radboudumc and MUMC+
Classification: Likely benign. Review status: no assertion criteria provided. Collection method: clinical testing. Allele origin: germline. Affected: yes. Study: VKGL Data-share Consensus. Not counted in ClinVar's aggregate classification.